The following is an entry in ClinVar:

ClinVar aggregate classification (germline): Benign. Review status: criteria provided, single submitter (1 of 4 stars). 2 submissions from 2 submitters: Benign (1). 1 of the submissions does not count toward it. Last evaluated 2025-09-13.

Conditions:
PLXNA1-related disorder. Also called: PLXNA1-related condition.

Allele frequency attached by ClinVar (database versions not stated): TOPMed 0.00175; gnomAD exomes 0.00016; ExAC 0.00057; 1000 Genomes Project 30x 0.00094; 1000 Genomes Project 0.00120; gnomAD 0.00163; ESP Exome Variant Server 0.00215.
gnomAD v4.1: 495 of 1,613,254 alleles (0.031%); highest among the groups gnomAD compares: African/African-American, 0.53%; 2 homozygotes.

Submissions (2):

Labcorp Genetics (formerly Invitae), Labcorp
Classification: Benign. Last evaluated: 2025-09-13. Review status: criteria provided, single submitter. Criteria: Invitae Variant Classification Sherloc (09022015). Collection method: clinical testing. Allele origin: germline.

PreventionGenetics, part of Exact Sciences
Classification: Likely benign for PLXNA1-related condition. Last evaluated: 2019-02-18. Review status: no assertion criteria provided. Collection method: clinical testing. Allele origin: germline. Not counted in ClinVar's aggregate classification.
Comment: This variant is classified as likely benign based on ACMG/AMP sequence variant interpretation guidelines (Richards et al. 2015 PMID: 25741868, with internal and published modifications).

NM_032242.4(PLXNA1):c.4510-5C>T

Gene: PLXNA1 (plexin A1; plus strand). Cytogenetic location: 3q21.3.
Variant type: single nucleotide variant.
Coding change: c.4510-5C>T on transcript NM_032242.4 (MANE Select); 5 bases into the intron before coding-DNA position 4510, C replaced by T.
Molecular consequence: intron variant.
Genome position (GRCh38, 1-based): chr3:127,028,176, C>T. VCF-style: chr3-127028176-C-T. GRCh37 (hg19) VCF-style: chr3-126747019-C-T.
Other names: c.4510-5C>T (NM_032242.3).
Identifiers: ClinVar variation 2856999 (VCV002856999.5), dbSNP rs369712501, ClinGen allele CA2594403.